The following is an entry in ClinVar:

ClinVar aggregate classification (germline): Pathogenic/Likely pathogenic. Review status: criteria provided, multiple submitters, no conflicts (2 of 4 stars). 7 submissions from 7 submitters: Pathogenic (2); Likely pathogenic (3). 2 of the submissions do not count toward it. Last evaluated 2026-03-27.

Conditions:
Hereditary cancer-predisposing syndrome. Also called: Hereditary Cancer Syndrome; Tumor predisposition; Neoplastic Syndromes, Hereditary; Hereditary neoplastic syndrome. Identifiers: Orphanet 140162, MedGen C0027672, MeSH D009386, MONDO:0015356.
Hereditary leiomyomatosis and renal cell cancer. Also called: FH tumor predisposition syndrome; Reed syndrome; Multiple cutaneous and uterine leiomyomatosis; Cutaneous leiomyomata with uterine leiomyomata; Leiomyoma, hereditary multiple, of skin; Multiple cutaneous and uterine leiomyomata. Identifiers: Orphanet 523, MedGen C1708350, MONDO:0007888, OMIM 150800, HP:0007437. Disease mechanism: loss of function.
Fumarase deficiency (FMRD). Also called: Fumaric aciduria; Fumarate Hydratase Deficiency. Identifiers: Orphanet 24, MedGen C0342770, MONDO:0011730, OMIM 606812.

Submissions (7):

Myriad Genetics, Inc.
Classification: Likely pathogenic for Hereditary leiomyomatosis and renal cell cancer. Last evaluated: 2026-03-27. Review status: criteria provided, single submitter. Criteria: Myriad Autosomal Dominant, Autosomal Recessive and X-Linked Classification Criteria (2023). Collection method: clinical testing. Allele origin: unknown.
Comment: This variant is considered likely pathogenic. This variant has been reported in multiple individuals with clinical features of gene-specific disease [PMID: 15663510, 17908262]. This variant is expected to disrupt protein structure [Myriad internal data].

Institute of Human Genetics, University of Leipzig Medical Center
Classification: Likely pathogenic for Fumarase deficiency. Last evaluated: 2026-01-05. Review status: criteria provided, single submitter. Criteria: ACMG Guidelines, 2015. Collection method: clinical testing. Allele origin: paternal. Inheritance: Autosomal recessive inheritance. Affected: yes.
Comment: Criteria applied: PM2,PP3,PP4, PM3; Identified as compound heterozygous with NM_000143.4:c.194A>T

Ambry Genetics
Classification: Pathogenic for Hereditary cancer-predisposing syndrome. Last evaluated: 2024-03-20. Review status: criteria provided, single submitter. Criteria: Ambry Variant Classification Scheme 2023. Collection method: clinical testing. Allele origin: germline.
Comment: The p.R101P pathogenic mutation (also known as c.302G>C), located in coding exon 3 of the FH gene, results from a G to C substitution at nucleotide position 302. The arginine at codon 101 is replaced by proline, an amino acid with dissimilar properties. This mutation, designated R58P (c.173G>C), has been shown to segregate with disease in multiple individuals with features of hereditary leiomyomatosis and renal cell cancer (HLRCC) syndrome in a large Polish family (Chan I et al. Clin. Exp. Dermatol., 2005 Jan;30:75-8; Heinritz W et al. Ann. Hum. Genet., 2008 Jan;72:35-40). This variant was not reported in population-based cohorts in the Genome Aggregation Database (gnomAD). This amino acid position is well conserved in available vertebrate species. In addition, this alteration is predicted to be deleterious by in silico analysis. Based on the supporting evidence, this alteration is interpreted as a disease-causing mutation.

Labcorp Genetics (formerly Invitae), Labcorp
Classification: Pathogenic. Last evaluated: 2023-12-10. Review status: criteria provided, single submitter. Criteria: Invitae Variant Classification Sherloc (09022015). Collection method: clinical testing. Allele origin: germline.
Comment: This sequence change replaces arginine, which is basic and polar, with proline, which is neutral and non-polar, at codon 101 of the FH protein (p.Arg101Pro). This variant is not present in population databases (gnomAD no frequency). This missense change has been observed in individual(s) with autosomal dominant FH-related conditions (PMID: 15663510, 17908262). It has also been observed to segregate with disease in related individuals. This variant is also known as R58P. ClinVar contains an entry for this variant (Variation ID: 16238). Advanced modeling of protein sequence and biophysical properties (such as structural, functional, and spatial information, amino acid conservation, physicochemical variation, residue mobility, and thermodynamic stability) performed at Invitae indicates that this missense variant is expected to disrupt FH protein function with a positive predictive value of 95%. For these reasons, this variant has been classified as Pathogenic.

GeneDx
Classification: Likely pathogenic. Last evaluated: 2017-04-25. Review status: criteria provided, single submitter. Criteria: GeneDx Variant Classification (06012015). Collection method: clinical testing. Allele origin: germline. Affected: yes.
Comment: The R101P variant in the FH gene has previously been reported to segregate with disease in at least one large family with hereditary leiomyomatosis and renal cell cancer (Chan et al., 2005; Heinritz et al., 2008). This variant is not observed in large population cohorts (Lek et al., 2016; 1000 Genomes Consortium et al., 2015; Exome Variant Server). The R101P variant is a non-conservative amino acid substitution, which is likely to impact secondary protein structure as these residues differ in polarity, charge, size and/or other properties. This substitution occurs at a position where amino acids with similar properties to Arginine are tolerated across species. In silico analysis predicts this variant is probably damaging to the protein structure/function. Based on the currently available evidence, R101P is a strong candidate for a pathogenic variant. However, the possibility it is a rare benign variant cannot be excluded.

OMIM
Classification: Pathogenic for HEREDITARY LEIOMYOMATOSIS AND RENAL CELL CANCER. Last evaluated: 2008-01-01. Review status: no assertion criteria provided. Collection method: literature only. Allele origin: germline. Not counted in ClinVar's aggregate classification.

GeneReviews
No classification provided. Condition: Hereditary leiomyomatosis and renal cell cancer. Review status: no classification provided. Collection method: literature only. Allele origin: germline. Affected: yes. Not counted in ClinVar's aggregate classification.

Literature cited by the submitters: PubMed 15663510 (cited by 4 submitters); PubMed 17908262 (cited by 4 submitters); NCBI Bookshelf NBK1252 (cited by GeneReviews).

NM_000143.4(FH):c.302G>C (p.Arg101Pro)

Gene: FH (fumarate hydratase; minus strand). Cytogenetic location: 1q43.
Variant type: single nucleotide variant.
Coding change: c.302G>C on transcript NM_000143.4 (MANE Select); coding-DNA position 302, G replaced by C.
Protein change: p.Arg101Pro; replaces arginine 101 with proline.
Molecular consequence: missense variant.
Genome position (GRCh38, 1-based): chr1:241,513,679, C>G on the plus strand (G>C on the coding strand, the complement: FH is on the minus strand). VCF-style: chr1-241513679-C-G. GRCh37 (hg19) VCF-style: chr1-241676979-C-G.
Other names: R58P; 173G>C; NP_000134.2:p.Arg101Gln; Gly58Ala; short protein forms R101P.
Identifiers: ClinVar variation 16238 (VCV000016238.13), dbSNP rs75086406, ClinGen allele CA341389.